The following is an entry in ClinVar:

ClinVar aggregate classification (germline): Conflicting classifications of pathogenicity. Review status: criteria provided, conflicting classifications (1 of 4 stars). 9 submissions from 9 submitters: Uncertain significance (1); Benign (2); Likely benign (6). Last evaluated 2025-12-24.

Conditions:
Charcot-Marie-Tooth disease type 4B3. Also called: Charcot-Marie-Tooth Neuropathy Type 4B3; CHARCOT-MARIE-TOOTH DISEASE, DEMYELINATING, TYPE 4B3. Identifiers: Orphanet 363981, MedGen C3695063, MONDO:0014117, OMIM 615284.
Tip-toe gait. Also called: Toe walking. Identifiers: MedGen C0427144, HP:0030051.

Allele frequency attached by ClinVar (database versions not stated): gnomAD 0.00088 and 0.00089; ESP Exome Variant Server 0.00093; 1000 Genomes Project 0.00100; TOPMed 0.00102; 1000 Genomes Project 30x 0.00141.
gnomAD v4.1: 1,669 of 1,613,492 alleles (0.1%); highest among the groups gnomAD compares: Admixed American, 0.15%; 1 homozygote.

Submissions (9):

Labcorp Genetics (formerly Invitae), Labcorp
Classification: Likely benign. Last evaluated: 2025-12-24. Review status: criteria provided, single submitter. Criteria: Invitae Variant Classification Sherloc (09022015). Collection method: clinical testing. Allele origin: germline.

Women's Health and Genetics/Laboratory Corporation of America, LabCorp
Classification: Benign. Last evaluated: 2025-02-03. Review status: criteria provided, single submitter. Criteria: LabCorp Variant Classification Summary - May 2015. Collection method: clinical testing. Allele origin: germline.
Comment: Variant summary: SBF1 c.898-4G>A alters a non-conserved nucleotide located close to a canonical splice site and therefore could affect mRNA splicing, leading to a significantly altered protein sequence. Consensus agreement among computation tools predict no significant impact on normal splicing. However, these predictions have yet to be confirmed by functional studies. The variant allele was found at a frequency of 0.00071 in 248728 control chromosomes, predominantly at a frequency of 0.0014 within the Latino subpopulation in the gnomAD database. The observed variant frequency within Latino control individuals in the gnomAD database is approximately 1 fold of the estimated maximal expected allele frequency for a pathogenic variant in SBF1 causing Charcot-Marie-Tooth disease type 4B3 phenotype (0.0011). To our knowledge, no occurrence of c.898-4G>A in individuals affected with Charcot-Marie-Tooth disease type 4B3 and no experimental evidence demonstrating its impact on protein function have been reported. ClinVar contains an entry for this variant (Variation ID: 374672). Based on the evidence outlined above, the variant was classified as benign.

ARUP Laboratories, Molecular Genetics and Genomics, ARUP Laboratories
Classification: Likely benign for Charcot-Marie-Tooth disease type 4B3. Last evaluated: 2024-12-31. Review status: criteria provided, single submitter. Criteria: ARUP Molecular Germline Variant Investigation Process 2024. Collection method: clinical testing. Allele origin: germline.

Blueprint Genetics
Classification: Likely benign. Last evaluated: 2024-11-06. Review status: criteria provided, single submitter. Criteria: ACMG Guidelines, 2015. Collection method: clinical testing. Allele origin: germline.

Mayo Clinic Laboratories, Mayo Clinic
Classification: Likely benign. Last evaluated: 2024-08-28. Review status: criteria provided, single submitter. Criteria: ACMG Guidelines, 2015. Collection method: clinical testing. Allele origin: germline. Observed: 4 variant alleles.
Comment: BP4, BP7

CeGaT Center for Human Genetics Tuebingen
Classification: Likely benign. Last evaluated: 2024-01-01. Review status: criteria provided, single submitter. Criteria: CeGaT Center For Human Genetics Tuebingen Variant Classification Criteria Version 2. Collection method: clinical testing. Allele origin: germline. Affected: yes. Observed: 4 variant alleles.
Comment: SBF1: BP4

GeneDx
Classification: Likely benign. Last evaluated: 2020-12-10. Review status: criteria provided, single submitter. Criteria: GeneDx Variant Classification Process June 2021. Collection method: clinical testing. Allele origin: germline. Affected: yes.

Practice for Gait Abnormalities, David Pomarino, Competency Network Toe Walking C/o Practice Pomarino
Classification: Benign for Tip-toe gait. Last evaluated: 2020-11-10. Review status: criteria provided, single submitter. Criteria: Pomarino et al. (Glob Med Genet. 2026). Collection method: clinical testing. Allele origin: germline. Affected: yes.

AiLife Diagnostics
Classification: Uncertain significance. Last evaluated: 2020-07-06. Review status: criteria provided, single submitter. Criteria: ACMG Guidelines, 2015. Collection method: clinical testing. Allele origin: germline. Affected: yes. Observed: 1 variant allele.

NM_002972.4(SBF1):c.898-4G>A

Gene: SBF1 (SET binding factor 1; minus strand). Cytogenetic location: 22q13.33.
Variant type: single nucleotide variant.
Coding change: c.898-4G>A on transcript NM_002972.4 (MANE Select); 4 bases into the intron before coding-DNA position 898, G replaced by A.
Molecular consequence: intron variant.
Genome position (GRCh38, 1-based): chr22:50,466,078, C>T on the plus strand (G>A on the coding strand, the complement: SBF1 is on the minus strand). VCF-style: chr22-50466078-C-T. GRCh37 (hg19) VCF-style: chr22-50904507-C-T.
Other names: p.?; c.901-4G>A (NM_001365819.1).
Identifiers: ClinVar variation 374672 (VCV000374672.68), dbSNP rs377428323, ClinGen allele CA10317913.